The following is an entry in ClinVar:

ClinVar aggregate classification (germline): Pathogenic (0 of 4 stars; one submission).

Conditions:
Dyskeratosis congenita, autosomal dominant 1 (DKCA1). Also called: Dyskeratosis congenita Scoggins type. Identifiers: Orphanet 1775, MedGen C4551974, MONDO:0007485, OMIM 127550. Inheritance: Variable.

Submission:

GeneReviews
Classification: Pathogenic for Dyskeratosis Congenita. Last evaluated: 2012-05-10. Review status: no assertion criteria provided. Collection method: curation. Allele origin: unknown.
ClinVar note: Converted during submission from pathologic to Pathogenic.

NR_001566.3(TERC):n.79delC

Genes: TERC (telomerase RNA component; minus strand), LOC110806306 (telomerase RNA component (TERC) promoter; plus strand). Cytogenetic location: 3q26.2.
Variant type: Deletion.
Genome position: GRCh38 VCF-style: chr3-169764981-AG-A. GRCh37 (hg19) VCF-style: chr3-169482769-AG-A.
Other names: NR_001566.1:r.79delc.
Identifiers: ClinVar variation 39300 (VCV000039300.3), dbSNP rs199422266, ClinGen allele CA343771.
Genomic context (GRCh38, chr3:169,764,981, plus strand): 5'-CAGGCCGAGGCTTTTCCGCCCGCTGAAAGTCAGCGAGAAAAACAGCGCGCGGGGAGCAAA[AG>A]CACGGCGCCTACGCCCTTCTCAGTTAGGGTTAGACAAAAAATGGCCACCACCCCTCCCAG-3'